The following is an entry in ClinVar:

ClinVar aggregate classification (germline): Pathogenic/Likely pathogenic. Review status: criteria provided, multiple submitters, no conflicts (2 of 4 stars). 6 submissions from 6 submitters: Pathogenic (5); Likely pathogenic (1). Last evaluated 2023-09-13.

Conditions:
L-2-hydroxyglutaric aciduria (L2HGA). Identifiers: Orphanet 79314, MedGen C1855995, MONDO:0009370, OMIM 236792, HP:0040144.
L2HGDH-related disorders.

Allele frequency attached by ClinVar (database versions not stated): gnomAD 0.00001; gnomAD exomes 0.00001 and 0.00003; ExAC 0.00002; TOPMed 0.00002; ESP Exome Variant Server 0.00008.
gnomAD v4.1: 39 of 1,595,710 alleles (0.0024%); highest among the groups gnomAD compares: Non-Finnish European, 0.0029%; no homozygotes.

Submissions (6):

Blueprint Genetics
Classification: Pathogenic for L2HGDH-related disorders. Last evaluated: 2023-09-13. Review status: criteria provided, single submitter. Criteria: ACMG Guidelines, 2015. Collection method: clinical testing. Allele origin: germline. Affected: yes. Observed: 4 variant alleles.

Labcorp Genetics (formerly Invitae), Labcorp
Classification: Pathogenic for L-2-hydroxyglutaric aciduria. Last evaluated: 2022-09-13. Review status: criteria provided, single submitter. Criteria: Invitae Variant Classification Sherloc (09022015). Collection method: clinical testing. Allele origin: germline.
Comment: This sequence change affects a donor splice site in intron 2 of the L2HGDH gene. It is expected to disrupt RNA splicing. Variants that disrupt the donor or acceptor splice site typically lead to a loss of protein function (PMID: 16199547), and loss-of-function variants in L2HGDH are known to be pathogenic (PMID: 16134148, 20052767). This variant is present in population databases (rs150299874, gnomAD 0.01%). Disruption of this splice site has been observed in individuals with L-2-hydroxyglutaric aciduria (PMID: 32626804; Invitae). ClinVar contains an entry for this variant (Variation ID: 379781). Algorithms developed to predict the effect of sequence changes on RNA splicing suggest that this variant may disrupt the consensus splice site. For these reasons, this variant has been classified as Pathogenic.

Women's Health and Genetics/Laboratory Corporation of America, LabCorp
Classification: Likely pathogenic for L-2-hydroxyglutaric aciduria. Last evaluated: 2022-03-28. Review status: criteria provided, single submitter. Criteria: LabCorp Variant Classification Summary - May 2015. Collection method: clinical testing. Allele origin: germline.
Comment: Variant summary: L2HGDH c.256+1G>A is located in a canonical splice-site and is predicted to affect mRNA splicing resulting in a significantly altered protein due to either exon skipping, shortening, or inclusion of intronic material. Several computational tools predict a significant impact on normal splicing: Four predict the variant abolishes a canonical 5 prime splicing donor site. However, these predictions have yet to be confirmed by functional studies. The variant allele was found at a frequency of 1.2e-05 in 251428 control chromosomes (gnomAD). c.256+1G>A has been reported in the literature in a homozygous individual affected with L-2 Aciduria (Shah-2020). Three clinical diagnostic laboratories have submitted clinical-significance assessments for this variant to ClinVar after 2014 and all classified the variant as pathogenic. Based on the evidence outlined above, the variant was classified as likely pathogenic.

Fulgent Genetics
Classification: Pathogenic for L-2-hydroxyglutaric aciduria. Last evaluated: 2021-11-16. Review status: criteria provided, single submitter. Criteria: ACMG Guidelines, 2015. Collection method: clinical testing. Allele origin: unknown.

Foundation for Research in Genetics and Endocrinology, FRIGE's Institute of Human Genetics
Classification: Pathogenic for L-2-hydroxyglutaric aciduria. Last evaluated: 2019-11-05. Review status: criteria provided, single submitter. Criteria: ACMG Guidelines, 2015. Collection method: clinical testing. Allele origin: germline. Inheritance: Autosomal recessive inheritance. Affected: yes. Observed: 1 homozygote.
Comment: A homozygous 5' splice site variation in intron 2 of the L2HGDH gene that affects the invariant GT donor splice site of exon 2 was detected. The observed variant has not been reported in the 1000 genomes and has a minor allele frequency of 0.002% in the ExAC databases. The in silico prediction of the variant is damaging by MutationTaster2. The reference codon is conserved across species. In summary, c.256+1G>A variant meets our criteria to be classified as a pathogenic.

GeneDx
Classification: Pathogenic. Last evaluated: 2015-05-12. Review status: criteria provided, single submitter. Criteria: GeneDx Variant Classification (06012015). Collection method: clinical testing. Allele origin: germline. Affected: yes.
Comment: The c.256+1G>A variant in the L2HGDH gene has not been reported previously as a pathogenic variant nor as a benign polymorphism, to our knowledge. This splice site variant destroys the canonicalsplice donor site in intron 2. It is predicted to cause abnormal gene splicing, either leading to an abnormalmessage that is subject to nonsense-mediated mRNA decay, or to an abnormal protein product if themessage is used for protein translation. The c.256+1G>A substitution was not observed at any significantfrequent in approximately 6,500 individuals of European and African American ancestry in the NHLBIExome Sequencing Project, indicating it is not a common benign variant in these populations. We interpretc.256+1G>A as a pathogenic variant.

Literature cited by the submitters: PubMed 16199547 (cited by Labcorp Genetics (formerly Invitae), Labcorp); PubMed 16134148 (cited by Labcorp Genetics (formerly Invitae), Labcorp); PubMed 20052767 (cited by Labcorp Genetics (formerly Invitae), Labcorp); PubMed 32626804 (cited by Labcorp Genetics (formerly Invitae), Labcorp and Women's Health and Genetics/Laboratory Corporation of America, LabCorp).

NM_024884.3(L2HGDH):c.256+1G>A

Gene: L2HGDH (L-2-hydroxyglutarate dehydrogenase; minus strand). Cytogenetic location: 14q21.3.
Variant type: single nucleotide variant.
Coding change: c.256+1G>A on transcript NM_024884.3 (MANE Select); the canonical splice donor site of the intron after coding-DNA position 256, G replaced by A.
Molecular consequence: splice donor variant.
Genome position (GRCh38, 1-based): chr14:50,302,901, C>T on the plus strand (G>A on the coding strand, the complement: L2HGDH is on the minus strand). VCF-style: chr14-50302901-C-T. GRCh37 (hg19) VCF-style: chr14-50769619-C-T.
Identifiers: ClinVar variation 379781 (VCV000379781.11), dbSNP rs150299874, ClinGen allele CA7178088.
Genomic context (GRCh38, chr14:50,302,901, plus strand): 5'-AACAGACAAAATGAGCAGATGCCCAAGTAAGCCCAAAGAACAACATTGATTATATACATA[C>T]CTAAATCTTTCTCCTTTTCCAGAACACCAATAGAAAGTGATGGATGTCGCAGGATGAGTG-3'